The following is an entry in ClinVar:

NM_001270508.2(TNFAIP3):c.1168C>G (p.Pro390Ala)

Gene: TNFAIP3 (TNF alpha induced protein 3; plus strand). Cytogenetic location: 6q23.3.
Variant type: single nucleotide variant.
Coding change: c.1168C>G on transcript NM_001270508.2 (MANE Select); coding-DNA position 1168, C replaced by G.
Protein change: p.Pro390Ala; replaces proline 390 with alanine.
Molecular consequence: missense variant.
Genome position (GRCh38, 1-based): chr6:137,878,613, C>G. VCF-style: chr6-137878613-C-G. GRCh37 (hg19) VCF-style: chr6-138199750-C-G.
Other names: c.1168C>G, p.Pro390Ala (NM_001270507.2, NM_006290.4); short protein forms P390A.
Identifiers: ClinVar variation 2111169 (VCV002111169.4), dbSNP rs2114497692, ClinGen allele CA365788826.

ClinVar aggregate classification (germline): Uncertain significance (1 of 4 stars; one submission).

Submission:

Labcorp Genetics (formerly Invitae), Labcorp
Classification: Uncertain significance. Last evaluated: 2022-11-29. Review status: criteria provided, single submitter. Criteria: Invitae Variant Classification Sherloc (09022015). Collection method: clinical testing. Allele origin: germline.
Comment: In summary, the available evidence is currently insufficient to determine the role of this variant in disease. Therefore, it has been classified as a Variant of Uncertain Significance. Advanced modeling of protein sequence and biophysical properties (such as structural, functional, and spatial information, amino acid conservation, physicochemical variation, residue mobility, and thermodynamic stability) performed at Invitae indicates that this missense variant is not expected to disrupt TNFAIP3 protein function. This variant has not been reported in the literature in individuals affected with TNFAIP3-related conditions. This variant is not present in population databases (gnomAD no frequency). This sequence change replaces proline, which is neutral and non-polar, with alanine, which is neutral and non-polar, at codon 390 of the TNFAIP3 protein (p.Pro390Ala).